The following is an entry in ClinVar:

ClinVar aggregate classification (germline): Uncertain significance (1 of 4 stars; one submission).

Submission:

Ambry Genetics
Classification: Uncertain significance. Last evaluated: 2026-04-10. Review status: criteria provided, single submitter. Criteria: Ambry Variant Classification Scheme 2023. Collection method: clinical testing. Allele origin: germline.
Comment: The p.G669V variant (also known as c.2006G>T), located in coding exon 19 of the SRP72 gene, results from a G to T substitution at nucleotide position 2006. The glycine at codon 669 is replaced by valine, an amino acid with dissimilar properties. This amino acid position is conserved. In addition, the in silico prediction for this alteration is inconclusive. Based on the available evidence, the clinical significance of this variant remains unclear.

NM_006947.4(SRP72):c.2006G>T (p.Gly669Val)

Gene: SRP72 (signal recognition particle 72; plus strand). Cytogenetic location: 4q12.
Variant type: single nucleotide variant.
Coding change: c.2006G>T on transcript NM_006947.4 (MANE Select); coding-DNA position 2006, G replaced by T.
Protein change: p.Gly669Val; replaces glycine 669 with valine.
Molecular consequence: missense variant. On other transcripts: non-coding transcript variant (1).
Genome position (GRCh38, 1-based): chr4:56,501,851, G>T. VCF-style: chr4-56501851-G-T. GRCh37 (hg19) VCF-style: chr4-57368017-G-T.
Other names: c.1823G>T, p.Gly608Val (NM_001267722.2); short protein forms G608V, G669V.
Identifiers: ClinVar variation 4865123 (VCV004865123.1).